The following is an entry in ClinVar:

NM_000038.6(APC):c.5228_5229del (p.Val1743fs)

Gene: APC (APC regulator of Wnt signaling pathway; plus strand). Cytogenetic location: 5q22.2.
Variant type: Microsatellite.
Coding change: c.5228_5229del on transcript NM_000038.6 (MANE Select); coding-DNA positions 5228 to 5229, 2 bases deleted (TG; older notation c.5228_5229delTG).
Protein change: p.Val1743fs; shifts the reading frame from valine 1743.
Molecular consequence: frameshift variant. On other transcripts: non-coding transcript variant (2).
Genome position (GRCh38, 1-based): chr5:112,840,822-112,840,823, TG deleted; deleting any 2 consecutive bases within chr5:112,840,819-112,840,823 gives the same sequence; the c. name uses the placement nearest the transcript's 3' end. VCF-style (leftmost placement, unchanged base first): chr5-112840818-CGT-C. GRCh37 (hg19) VCF-style: chr5-112176515-CGT-C.
Other names: c.5228_5229del, p.Val1743fs (NM_001127510.3, NM_001354895.2, NM_001407450.1); c.5174_5175del, p.Val1725fs (NM_001127511.3); c.5282_5283del, p.Val1761fs (NM_001354896.2, NM_001407447.1, NM_001407448.1 and 1 more transcripts); c.5258_5259del, p.Val1753fs (NM_001354897.2); c.5153_5154del, p.Val1718fs (NM_001354898.2); c.5144_5145del, p.Val1715fs (NM_001354899.2); c.5105_5106del, p.Val1702fs (NM_001354900.2); c.5051_5052del, p.Val1684fs (NM_001354901.2, NM_001407453.1); and 11 more; short protein forms V1359fs, V1460fs, V1583fs, V1614fs, V1617fs, V1642fs, V1652fs, V1660fs.
Identifiers: ClinVar variation 3230679 (VCV003230679.1), dbSNP rs2149935146, ClinGen allele CA2710010929.

ClinVar aggregate classification (germline): Likely pathogenic (1 of 4 stars; one submission).

Conditions:
Hereditary cancer-predisposing syndrome. Also called: Neoplastic Syndromes, Hereditary; Tumor predisposition; Hereditary neoplastic syndrome; Hereditary Cancer Syndrome. Identifiers: Orphanet 140162, MedGen C0027672, MeSH D009386, MONDO:0015356.

Submission:

Ambry Genetics
Classification: Likely pathogenic for Hereditary cancer-predisposing syndrome. Last evaluated: 2023-12-08. Review status: criteria provided, single submitter. Criteria: Ambry Variant Classification Scheme 2023. Collection method: clinical testing. Allele origin: germline.
Comment: The c.5228_5229delTG variant, located in coding exon 15 of the APC gene, results from a deletion of two nucleotides at nucleotide positions 5228 to 5229, causing a translational frameshift with a predicted alternate stop codon (p.V1743Efs*25). This alteration occurs at the 3' terminus of the APC gene, is not expected to trigger nonsense-mediated mRNA decay, and only impacts the last 39% of the protein. However, premature stop codons are typically deleterious in nature and a significant portion of the protein is affected (Ambry internal data). This variant is considered to be rare based on population cohorts in the Genome Aggregation Database (gnomAD). Based on the majority of available evidence to date, this variant is likely to be pathogenic.